The following is an entry in ClinVar:

NM_004560.4(ROR2):c.2437C>T (p.Pro813Ser)

Gene: ROR2 (receptor tyrosine kinase like orphan receptor 2; minus strand). Cytogenetic location: 9q22.31.
Variant type: single nucleotide variant.
Coding change: c.2437C>T on transcript NM_004560.4 (MANE Select); coding-DNA position 2437, C replaced by T.
Protein change: p.Pro813Ser; replaces proline 813 with serine.
Molecular consequence: missense variant.
Genome position (GRCh38, 1-based): chr9:91,724,057, G>A on the plus strand (C>T on the coding strand, the complement: ROR2 is on the minus strand). VCF-style: chr9-91724057-G-A. GRCh37 (hg19) VCF-style: chr9-94486339-G-A.
Other names: short protein forms P813S.
Identifiers: ClinVar variation 4762423 (VCV004762423.1).

ClinVar aggregate classification (germline): Uncertain significance (1 of 4 stars; one submission).

gnomAD v4.1: 4 of 1,610,894 alleles (0.00025%); highest among the groups gnomAD compares: South Asian, 0.0033%; no homozygotes.

Submission:

Labcorp Genetics (formerly Invitae), Labcorp
Classification: Uncertain significance. Last evaluated: 2025-04-17. Review status: criteria provided, single submitter. Criteria: Invitae Variant Classification Sherloc (09022015). Collection method: clinical testing. Allele origin: germline.
Comment: This sequence change replaces proline, which is neutral and non-polar, with serine, which is neutral and polar, at codon 813 of the ROR2 protein (p.Pro813Ser). This variant is not present in population databases (gnomAD no frequency). This variant has not been reported in the literature in individuals affected with ROR2-related conditions. Invitae Evidence Modeling of protein sequence and biophysical properties (such as structural, functional, and spatial information, amino acid conservation, physicochemical variation, residue mobility, and thermodynamic stability) indicates that this missense variant is not expected to disrupt ROR2 protein function with a negative predictive value of 95%. In summary, the available evidence is currently insufficient to determine the role of this variant in disease. Therefore, it has been classified as a Variant of Uncertain Significance.